The following is an entry in ClinVar:

NM_001939.3(DRP2):c.2568C>T (p.Leu856=)

Gene: DRP2 (dystrophin related protein 2; plus strand). Cytogenetic location: Xq22.1.
Variant type: single nucleotide variant.
Coding change: c.2568C>T on transcript NM_001939.3 (MANE Select); coding-DNA position 2568, C replaced by T.
Protein change: p.Leu856=; no amino-acid change (leucine 856 retained).
Molecular consequence: synonymous variant.
Genome position (GRCh38, 1-based): chrX:101,258,486, C>T. VCF-style: chrX-101258486-C-T. GRCh37 (hg19) VCF-style: chrX-100513475-C-T.
Other names: c.2568C>T (NM_001939.2); c.2334C>T, p.Leu778= (NM_001171184.2).
Identifiers: ClinVar variation 1624925 (VCV001624925.32), dbSNP rs145603904, ClinGen allele CA10472491.

ClinVar aggregate classification (germline): Benign/Likely benign. Review status: criteria provided, multiple submitters, no conflicts (2 of 4 stars). 4 submissions from 4 submitters: Benign (2); Likely benign (2). Last evaluated 2026-09-12.

Conditions:
DRP2-related disorder. Also called: DRP2-related condition.

Allele frequency attached by ClinVar (database versions not stated): TOPMed 0.00055; gnomAD 0.00063; gnomAD exomes 0.00072 and 0.00123; ESP Exome Variant Server 0.00085; ExAC 0.00124.
gnomAD v4.1: 1,401 of 1,192,433 alleles (0.12%); highest among the groups gnomAD compares: Non-Finnish European, 0.14%; 2 homozygotes.

Submissions (4):

PreventionGenetics, part of Exact Sciences
Classification: Likely benign for DRP2-related condition. Last evaluated: 2026-09-12. Review status: criteria provided, single submitter. Criteria: ACMG Guidelines, 2015. Collection method: clinical testing. Allele origin: germline.
Comment: This variant is classified as likely benign based on ACMG/AMP sequence variant interpretation guidelines (Richards et al. 2015 PMID: 25741868, with internal and published modifications).

Labcorp Genetics (formerly Invitae), Labcorp
Classification: Benign. Last evaluated: 2025-11-03. Review status: criteria provided, single submitter. Criteria: Invitae Variant Classification Sherloc (09022015). Collection method: clinical testing. Allele origin: germline.

CeGaT Center for Human Genetics Tuebingen
Classification: Likely benign. Last evaluated: 2024-01-01. Review status: criteria provided, single submitter. Criteria: CeGaT Center For Human Genetics Tuebingen Variant Classification Criteria Version 2. Collection method: clinical testing. Allele origin: germline. Affected: yes. Observed: 1 variant allele.
Comment: DRP2: BP4, BP7, BS2

Breakthrough Genomics
Classification: Benign. Review status: criteria provided, single submitter. Criteria: ACMG Guidelines, 2015. Collection method: not provided. Allele origin: germline. Inheritance: Unknown mechanism. Affected: yes.